The following is an entry in ClinVar:

ClinVar aggregate classification (germline): Uncertain significance (1 of 4 stars; one submission).

Conditions:
Hereditary breast ovarian cancer syndrome. Also called: Hereditary breast and ovarian cancer syndrome (HBOC); Hereditary breast and ovarian cancer syndrome; Hereditary breast and/or ovarian cancer syndrome; Hereditary breast and ovarian cancer; Breast and ovarian cancer; BRCA1- and BRCA2-Associated Hereditary Breast and Ovarian Cancer. Identifiers: Orphanet 145, MedGen C0677776, MeSH D061325, MONDO:0003582. Disease mechanism: loss of function.

Submission:

Labcorp Genetics (formerly Invitae), Labcorp
Classification: Uncertain significance for Hereditary breast ovarian cancer syndrome. Last evaluated: 2023-04-19. Review status: criteria provided, single submitter. Criteria: Invitae Variant Classification Sherloc (09022015). Collection method: clinical testing. Allele origin: germline.
Comment: This sequence change replaces proline, which is neutral and non-polar, with serine, which is neutral and polar, at codon 1496 of the BRCA2 protein (p.Pro1496Ser). This variant is not present in population databases (gnomAD no frequency). This variant has not been reported in the literature in individuals affected with BRCA2-related conditions. Advanced modeling of protein sequence and biophysical properties (such as structural, functional, and spatial information, amino acid conservation, physicochemical variation, residue mobility, and thermodynamic stability) performed at Invitae indicates that this missense variant is not expected to disrupt BRCA2 protein function. In summary, the available evidence is currently insufficient to determine the role of this variant in disease. Therefore, it has been classified as a Variant of Uncertain Significance.

NM_000059.4(BRCA2):c.4486C>T (p.Pro1496Ser)

Gene: BRCA2 (BRCA2 DNA repair associated; plus strand). Cytogenetic location: 13q13.1.
Variant type: single nucleotide variant.
Coding change: c.4486C>T on transcript NM_000059.4 (MANE Select); coding-DNA position 4486, C replaced by T.
Protein change: p.Pro1496Ser; replaces proline 1496 with serine.
Molecular consequence: missense variant. On other transcripts: non-coding transcript variant (1), intron variant (2).
Genome position (GRCh38, 1-based): chr13:32,338,841, C>T. VCF-style: chr13-32338841-C-T. GRCh37 (hg19) VCF-style: chr13-32912978-C-T.
Other names: c.4486C>T, p.Pro1496Ser (NM_001406719.1, NM_001406720.1); c.1909+5454C>T (NM_001406721.1); c.425-5717C>T (NM_001406722.1); short protein forms P1496S.
Identifiers: ClinVar variation 2857504 (VCV002857504.3), dbSNP rs2137506904, ClinGen allele CA387781528.